The following is an entry in ClinVar:

ClinVar aggregate classification (germline): Likely benign. Review status: criteria provided, multiple submitters, no conflicts (2 of 4 stars). 2 submissions from 2 submitters: Likely benign (2). Last evaluated 2021-03-03.

Allele frequency attached by ClinVar (database versions not stated): gnomAD 0.00707 and 0.00768; 1000 Genomes Project 0.00779; 1000 Genomes Project 30x 0.00812; TOPMed 0.00832.

Submissions (2):

GeneDx
Classification: Likely benign. Last evaluated: 2021-03-03. Review status: criteria provided, single submitter. Criteria: GeneDx Variant Classification Process June 2021. Collection method: clinical testing. Allele origin: germline. Affected: yes.
Comment: See Variant Classification Assertion Criteria.

Breakthrough Genomics
Classification: Likely benign. Review status: criteria provided, single submitter. Criteria: ACMG Guidelines, 2015. Collection method: not provided. Allele origin: germline. Inheritance: Autosomal recessive inheritance. Affected: yes.

NC_000021.9:g.31659614G>C

Genes: SOD1 (superoxide dismutase 1; plus strand), SOD1-DT (SOD1 divergent transcript; minus strand), LOC130066532 (ATAC-STARR-seq lymphoblastoid silent region 13241; plus strand). Cytogenetic location: 21q22.11.
Variant type: single nucleotide variant.
Genome position: GRCh38 VCF-style: chr21-31659614-G-C. GRCh37 (hg19) VCF-style: chr21-33031927-G-C.
Identifiers: ClinVar variation 369360 (VCV000369360.7), dbSNP rs17878855, ClinGen allele CA10654640.
Genomic context (GRCh38, chr21:31,659,614, plus strand): 5'-AGTCATTCCCGGCCACTCGCGACCCGAGGCTGCCGCAGGGGGCGGGCTGAGCGCGTGCGA[G>C]GCGATTGGTTTGGGGCCAGAGTGGGCGAGGCGCGGAGGTCTGGCCTATAAAGTAGTCGCG-3'